The following is an entry in ClinVar:

ClinVar aggregate classification (germline): Conflicting classifications of pathogenicity. Review status: criteria provided, conflicting classifications (1 of 4 stars). 3 submissions from 3 submitters: Uncertain significance (2); Likely benign (1). Last evaluated 2025-12-19.

Conditions:
Inborn genetic diseases. Identifiers: MedGen C0950123, MeSH D030342.

Allele frequency attached by ClinVar (database versions not stated): gnomAD exomes below 0.00001 and 0.00001; ExAC 0.00001; TOPMed 0.00002.
gnomAD v4.1: 15 of 1,612,032 alleles (0.00093%); highest among the groups gnomAD compares: Admixed American, 0.013%; no homozygotes.

Submissions (3):

Labcorp Genetics (formerly Invitae), Labcorp
Classification: Uncertain significance. Last evaluated: 2025-12-19. Review status: criteria provided, single submitter. Criteria: Invitae Variant Classification Sherloc (09022015). Collection method: clinical testing. Allele origin: germline.
Comment: This sequence change replaces valine, which is neutral and non-polar, with leucine, which is neutral and non-polar, at codon 150 of the CASQ1 protein (p.Val150Leu). This variant is present in population databases (rs775466623, gnomAD 0.003%). This missense change has been observed in individuals with clinical features of CASQ1-related conditions (internal data). ClinVar contains an entry for this variant (Variation ID: 1483520). Invitae Evidence Modeling of protein sequence and biophysical properties (such as structural, functional, and spatial information, amino acid conservation, physicochemical variation, residue mobility, and thermodynamic stability) indicates that this missense variant is not expected to disrupt CASQ1 protein function with a negative predictive value of 80%. In summary, the available evidence is currently insufficient to determine the role of this variant in disease. Therefore, it has been classified as a Variant of Uncertain Significance.

Ambry Genetics
Classification: Uncertain significance for Inborn genetic diseases. Last evaluated: 2025-07-01. Review status: criteria provided, single submitter. Criteria: Ambry Variant Classification Scheme 2023. Collection method: clinical testing. Allele origin: germline.

Mendelics
Classification: Likely benign. Last evaluated: 2022-05-04. Review status: criteria provided, single submitter. Criteria: Mendelics Assertion Criteria 2019. Collection method: clinical testing. Allele origin: germline.

NM_001231.5(CASQ1):c.448G>T (p.Val150Leu)

Gene: CASQ1 (calsequestrin 1; plus strand). Cytogenetic location: 1q23.2.
Variant type: single nucleotide variant.
Coding change: c.448G>T on transcript NM_001231.5 (MANE Select); coding-DNA position 448, G replaced by T.
Protein change: p.Val150Leu; replaces valine 150 with leucine.
Molecular consequence: missense variant.
Genome position (GRCh38, 1-based): chr1:160,193,830, G>T. VCF-style: chr1-160193830-G-T. GRCh37 (hg19) VCF-style: chr1-160163620-G-T.
Other names: c.448G>T (NM_001231.4); short protein forms V150L.
Identifiers: ClinVar variation 1483520 (VCV001483520.8), dbSNP rs775466623, ClinGen allele CA1196186.
Genomic context (GRCh38, chr1:160,193,830, plus strand): 5'-TATGTATTCAAGGGAGATGAAGTCATTGAGTACGATGGCGAGTTTTCTGCTGACACCATC[G>T]TGGAGTTTCTGCTTGATGTAAGGACTCCCCTGGACCTGACGGCCTTGCTTGAAAACTCCA-3'
Protein context (NP_001222.3, residues 140-160): YDGEFSADTI[Val150Leu]EFLLDVLEDP